The following is an entry in ClinVar:

ClinVar aggregate classification (germline): Likely pathogenic (1 of 4 stars; one submission).

Conditions:
Familial thoracic aortic aneurysm and aortic dissection (TAAD). Also called: Thoracic aortic aneurysms and dissections. Identifiers: Orphanet 91387, MedGen C4707243, MONDO:0019625.

Submission:

Centre of Medical Genetics, University of Antwerp
Classification: Likely pathogenic for Familial thoracic aortic aneurysm and aortic dissection. Last evaluated: 2024-09-06. Review status: criteria provided, single submitter. Criteria: ACMG Guidelines, 2015. Collection method: clinical testing. Allele origin: germline. Affected: yes.
Comment: LP(PSV1; PM2; PP4)

NM_001613.4(ACTA2):c.1027_1034del (p.Ile343fs)

Genes: ACTA2 (actin alpha 2, smooth muscle; minus strand), ACTA2-AS1 (ACTA2 antisense RNA 1; plus strand). Cytogenetic location: 10q23.31.
Variant type: Deletion.
Coding change: c.1027_1034del on transcript NM_001613.4 (MANE Select); coding-DNA positions 1027 to 1034, 8 bases deleted (ATCGGTGG; older notation c.1027_1034delATCGGTGG).
Protein change: p.Ile343fs; shifts the reading frame from isoleucine 343.
Molecular consequence: frameshift variant. On other transcripts: non-coding transcript variant (1).
Genome position (GRCh38, 1-based): chr10:88,935,323-88,935,330, CCACCGAT deleted on the plus strand (ATCGGTGG on the coding strand, the reverse complement: ACTA2 is on the minus strand); deleting any 8 consecutive bases within chr10:88,935,323-88,935,333 gives the same sequence; the c. name uses the placement nearest the transcript's 3' end. VCF-style (leftmost placement, unchanged base first): chr10-88935322-GCCACCGAT-G. GRCh37 (hg19) VCF-style: chr10-90695079-GCCACCGAT-G.
Other names: c.1027_1034del, p.Ile343fs (NM_001141945.3, NM_001320855.2, NM_001406462.1 and 2 more transcripts); c.916_923del, p.Ile306fs (NM_001406466.1); c.898_905del, p.Ile300fs (NM_001406467.1, NM_001406468.1, NM_001406469.1); c.835_842del, p.Ile279fs (NM_001406471.1); short protein forms I279fs, I300fs, I306fs, I343fs.
Identifiers: ClinVar variation 4820015 (VCV004820015.1).
Genomic context (GRCh38, chr10:88,935,322, plus strand): 5'-ATCGTATTCCTGTTTGCTGATCCACATCTGCTGGAAGGTGGACAGAGAGGCCAGGATGGA[GCCACCGAT>G]CCAGACAGAGTATTTGCGCTCCGGAGGGGCAATGATCTGTCAGTCAAGATGAAAAAGAAT-3'